The following is an entry in ClinVar:

NM_016507.4(CDK12):c.821C>T (p.Ser274Leu)

Genes: CDK12 (cyclin dependent kinase 12; plus strand), LOC126862553 (CDK7 strongly-dependent group 2 enhancer GRCh37_chr17:37618166-37619365; plus strand). Cytogenetic location: 17q12.
Variant type: single nucleotide variant.
Coding change: c.821C>T on transcript NM_016507.4 (MANE Select); coding-DNA position 821, C replaced by T.
Protein change: p.Ser274Leu; replaces serine 274 with leucine.
Molecular consequence: missense variant.
Genome position (GRCh38, 1-based): chr17:39,462,892, C>T. VCF-style: chr17-39462892-C-T. GRCh37 (hg19) VCF-style: chr17-37619145-C-T.
Other names: c.821C>T, p.Ser274Leu (NM_015083.4); short protein forms S274L.
Identifiers: ClinVar variation 5034080 (VCV005034080.1).

ClinVar aggregate classification (germline): Uncertain significance (1 of 4 stars; one submission).

Submission:

Ambry Genetics
Classification: Uncertain significance. Last evaluated: 2026-07-05. Review status: criteria provided, single submitter. Criteria: Ambry Variant Classification Scheme 2023. Collection method: clinical testing. Allele origin: germline.
Comment: The p.S274L variant (also known as c.821C>T), located in coding exon 1 of the CDK12 gene, results from a C to T substitution at nucleotide position 821. The serine at codon 274 is replaced by leucine, an amino acid with dissimilar properties. This amino acid position is conserved. In addition, the in silico prediction for this alteration is inconclusive. Based on the available evidence, the clinical significance of this variant remains unclear.